The following is an entry in ClinVar:

ClinVar aggregate classification (germline): Uncertain significance. Review status: criteria provided, multiple submitters, no conflicts (2 of 4 stars). 2 submissions from 2 submitters: Uncertain significance (2). Last evaluated 2025-12-16.

Conditions:
Inborn genetic diseases. Identifiers: MedGen C0950123, MeSH D030342.

Allele frequency attached by ClinVar (database versions not stated): ExAC 0.00001; gnomAD exomes 0.00003.
gnomAD v4.1: 13 of 1,614,014 alleles (0.00081%); highest among the groups gnomAD compares: Admixed American, 0.005%; no homozygotes.

Submissions (2):

Ambry Genetics
Classification: Uncertain significance for Inborn genetic diseases. Last evaluated: 2025-12-16. Review status: criteria provided, single submitter. Criteria: Ambry Variant Classification Scheme 2023. Collection method: clinical testing. Allele origin: germline.

Labcorp Genetics (formerly Invitae), Labcorp
Classification: Uncertain significance. Last evaluated: 2024-12-04. Review status: criteria provided, single submitter. Criteria: Invitae Variant Classification Sherloc (09022015). Collection method: clinical testing. Allele origin: germline.
Comment: This sequence change replaces arginine, which is basic and polar, with glutamine, which is neutral and polar, at codon 362 of the SRCAP protein (p.Arg362Gln). This variant is present in population databases (rs758394442, gnomAD 0.009%). This variant has not been reported in the literature in individuals affected with SRCAP-related conditions. Invitae Evidence Modeling of protein sequence and biophysical properties (such as structural, functional, and spatial information, amino acid conservation, physicochemical variation, residue mobility, and thermodynamic stability) indicates that this missense variant is not expected to disrupt SRCAP protein function with a negative predictive value of 80%. In summary, the available evidence is currently insufficient to determine the role of this variant in disease. Therefore, it has been classified as a Variant of Uncertain Significance.

NM_006662.3(SRCAP):c.1085G>A (p.Arg362Gln)

Gene: SRCAP (Snf2 related CREBBP activator protein; plus strand). Cytogenetic location: 16p11.2.
Variant type: single nucleotide variant.
Coding change: c.1085G>A on transcript NM_006662.3 (MANE Select); coding-DNA position 1085, G replaced by A.
Protein change: p.Arg362Gln; replaces arginine 362 with glutamine.
Molecular consequence: missense variant.
Genome position (GRCh38, 1-based): chr16:30,710,079, G>A. VCF-style: chr16-30710079-G-A. GRCh37 (hg19) VCF-style: chr16-30721400-G-A.
Other names: short protein forms R362Q.
Identifiers: ClinVar variation 3635958 (VCV003635958.3), dbSNP rs758394442.